The following is an entry in ClinVar:

NM_020928.2(ZSWIM6):c.1791A>G (p.Arg597=)

Gene: ZSWIM6 (zinc finger SWIM-type containing 6; plus strand). Cytogenetic location: 5q12.1.
Variant type: single nucleotide variant.
Coding change: c.1791A>G on transcript NM_020928.2 (MANE Select); coding-DNA position 1791, A replaced by G.
Protein change: p.Arg597=; no amino-acid change (arginine 597 retained).
Molecular consequence: synonymous variant.
Genome position (GRCh38, 1-based): chr5:61,526,350, A>G. VCF-style: chr5-61526350-A-G. GRCh37 (hg19) VCF-style: chr5-60822177-A-G.
Identifiers: ClinVar variation 1560971 (VCV001560971.11), dbSNP rs564257275, ClinGen allele CA3278381.

ClinVar aggregate classification (germline): Likely benign. Review status: criteria provided, multiple submitters, no conflicts (2 of 4 stars). 3 submissions from 3 submitters: Likely benign (3). Last evaluated 2026-08-01.

Allele frequency attached by ClinVar (database versions not stated): gnomAD 0.00001; gnomAD exomes 0.00001 and 0.00005; TOPMed 0.00001; ExAC 0.00004; 1000 Genomes Project 30x 0.00016; 1000 Genomes Project 0.00020.
gnomAD v4.1: 18 of 1,552,216 alleles (0.0012%); highest among the groups gnomAD compares: Admixed American, 0.016%; no homozygotes.

Submissions (3):

CeGaT Center for Human Genetics Tuebingen
Classification: Likely benign. Last evaluated: 2026-08-01. Review status: criteria provided, single submitter. Criteria: CeGaT Center For Human Genetics Tuebingen Variant Classification Criteria Version 2. Collection method: clinical testing. Allele origin: germline. Affected: yes. Observed: 1 variant allele.
Comment: ZSWIM6: BP4, BP7

Labcorp Genetics (formerly Invitae), Labcorp
Classification: Likely benign. Last evaluated: 2025-02-23. Review status: criteria provided, single submitter. Criteria: Invitae Variant Classification Sherloc (09022015). Collection method: clinical testing. Allele origin: germline.

Blueprint Genetics
Classification: Likely benign. Last evaluated: 2023-11-10. Review status: criteria provided, single submitter. Criteria: ACMG Guidelines, 2015. Collection method: clinical testing. Allele origin: germline.